The following is an entry in ClinVar:

ClinVar aggregate classification (germline): Uncertain significance (1 of 4 stars; one submission).

Conditions:
Lipoic acid synthetase deficiency. Also called: HYPERGLYCINEMIA, LACTIC ACIDOSIS, AND SEIZURES. Identifiers: Orphanet 401859, MedGen C3280887, MONDO:0013762, OMIM 614462.

Allele frequency attached by ClinVar (database versions not stated): gnomAD 0.00001; TOPMed 0.00001.
gnomAD v4.1: 14 of 1,594,330 alleles (0.00088%); highest among the groups gnomAD compares: Non-Finnish European, 0.0012%; no homozygotes.

Submission:

Labcorp Genetics (formerly Invitae), Labcorp
Classification: Uncertain significance for Lipoic acid synthetase deficiency. Last evaluated: 2020-08-25. Review status: criteria provided, single submitter. Criteria: Invitae Variant Classification Sherloc (09022015). Collection method: clinical testing. Allele origin: germline.
Comment: This sequence change replaces isoleucine with serine at codon 207 of the LIAS protein (p.Ile207Ser). The isoleucine residue is highly conserved and there is a large physicochemical difference between isoleucine and serine. This variant is not present in population databases (ExAC no frequency). This variant has not been reported in the literature in individuals with LIAS-related disease. Algorithms developed to predict the effect of missense changes on protein structure and function are either unavailable or do not agree on the potential impact of this missense change (SIFT: "Deleterious"; PolyPhen-2: "Possibly Damaging"; Align-GVGD: "Class C0"). In summary, the available evidence is currently insufficient to determine the role of this variant in disease. Therefore, it has been classified as a Variant of Uncertain Significance.

NM_006859.4(LIAS):c.620T>G (p.Ile207Ser)

Gene: LIAS (lipoic acid synthetase; plus strand). Cytogenetic location: 4p14.
Variant type: single nucleotide variant.
Coding change: c.620T>G on transcript NM_006859.4 (MANE Select); coding-DNA position 620, T replaced by G.
Protein change: p.Ile207Ser; replaces isoleucine 207 with serine.
Molecular consequence: missense variant. On other transcripts: intron variant (1).
Genome position (GRCh38, 1-based): chr4:39,467,529, T>G. VCF-style: chr4-39467529-T-G. GRCh37 (hg19) VCF-style: chr4-39469149-T-G.
Other names: c.311T>G, p.Ile104Ser (NM_001363700.2); c.620T>G, p.Ile207Ser (NM_194451.3); c.608+2187T>G (NM_001278590.2); short protein forms I104S, I207S.
Identifiers: ClinVar variation 650683 (VCV000650683.8), dbSNP rs1196873747, ClinGen allele CA356664858.